The following is an entry in ClinVar:

NM_000191.3(HMGCL):c.685G>A (p.Ala229Thr)

Gene: HMGCL (3-hydroxy-3-methylglutaryl-CoA lyase; minus strand). Cytogenetic location: 1p36.11.
Variant type: single nucleotide variant.
Coding change: c.685G>A on transcript NM_000191.3 (MANE Select); coding-DNA position 685, G replaced by A.
Protein change: p.Ala229Thr; replaces alanine 229 with threonine.
Molecular consequence: missense variant.
Genome position (GRCh38, 1-based): chr1:23,808,200, C>T on the plus strand (G>A on the coding strand, the complement: HMGCL is on the minus strand). VCF-style: chr1-23808200-C-T. GRCh37 (hg19) VCF-style: chr1-24134690-C-T.
Other names: c.472G>A, p.Ala158Thr (NM_001166059.2); short protein forms A158T, A229T.
Identifiers: ClinVar variation 2027248 (VCV002027248.2), dbSNP rs2521404800, ClinGen allele CA339023600.

ClinVar aggregate classification (germline): Uncertain significance (1 of 4 stars; one submission).

Conditions:
Deficiency of hydroxymethylglutaryl-CoA lyase (HMGCLD). Also called: HMGCL DEFICIENCY; HYDROXYMETHYLGLUTARIC ACIDURIA; Defect in leucine metabolism; 3-hydroxy-3-methylglutaric aciduria; HMG-CoA LYASE DEFICIENCY. Identifiers: Orphanet 20, MedGen C1533587, MONDO:0009520, OMIM 246450.

Submission:

Labcorp Genetics (formerly Invitae), Labcorp
Classification: Uncertain significance for Deficiency of hydroxymethylglutaryl-CoA lyase. Last evaluated: 2022-07-30. Review status: criteria provided, single submitter. Criteria: Invitae Variant Classification Sherloc (09022015). Collection method: clinical testing. Allele origin: germline.
Comment: Algorithms developed to predict the effect of missense changes on protein structure and function (SIFT, PolyPhen-2, Align-GVGD) all suggest that this variant is likely to be tolerated. This variant has not been reported in the literature in individuals affected with HMGCL-related conditions. This variant is not present in population databases (gnomAD no frequency). This sequence change replaces alanine, which is neutral and non-polar, with threonine, which is neutral and polar, at codon 229 of the HMGCL protein (p.Ala229Thr). In summary, the available evidence is currently insufficient to determine the role of this variant in disease. Therefore, it has been classified as a Variant of Uncertain Significance.